The following is an entry in ClinVar:

NM_014845.6(FIG4):c.1688G>A (p.Trp563Ter)

Gene: FIG4 (FIG4 phosphoinositide 5-phosphatase; plus strand). Cytogenetic location: 6q21.
Variant type: single nucleotide variant.
Coding change: c.1688G>A on transcript NM_014845.6 (MANE Select); coding-DNA position 1688, G replaced by A.
Protein change: p.Trp563Ter; replaces tryptophan 563 with a stop codon.
Molecular consequence: nonsense.
Genome position (GRCh38, 1-based): chr6:109,766,833, G>A. VCF-style: chr6-109766833-G-A. GRCh37 (hg19) VCF-style: chr6-110088036-G-A.
Other names: short protein forms W563*.
Identifiers: ClinVar variation 1355256 (VCV001355256.6), dbSNP rs2128392620, ClinGen allele CA365228684.

ClinVar aggregate classification (germline): Pathogenic (1 of 4 stars; one submission).

Conditions:
Charcot-Marie-Tooth disease type 4. Also called: Charcot-Marie-Tooth disease, type IV; Charcot-Marie-Tooth, Type 4. Identifiers: Orphanet 64749, MedGen C4082197, MONDO:0018995.

Allele frequency attached by ClinVar (database versions not stated): gnomAD exomes below 0.00001.
gnomAD v4.1: 3 of 1,613,992 alleles (0.00019%); highest among the groups gnomAD compares: Non-Finnish European, 0.00025%; no homozygotes.

Submission:

Labcorp Genetics (formerly Invitae), Labcorp
Classification: Pathogenic for Charcot-Marie-Tooth disease type 4. Last evaluated: 2024-12-16. Review status: criteria provided, single submitter. Criteria: Invitae Variant Classification Sherloc (09022015). Collection method: clinical testing. Allele origin: germline.
Comment: This sequence change creates a premature translational stop signal (p.Trp563*) in the FIG4 gene. It is expected to result in an absent or disrupted protein product. Loss-of-function variants in FIG4 are known to be pathogenic (PMID: 23623387, 30740813). This variant is not present in population databases (gnomAD no frequency). This premature translational stop signal has been observed in individual(s) with FIG4-related conditions (PMID: 37950760). ClinVar contains an entry for this variant (Variation ID: 1355256). For these reasons, this variant has been classified as Pathogenic.

Literature cited by the submitters: PubMed 23623387; PubMed 30740813; PubMed 37950760.